The following is an entry in ClinVar:

NM_012431.3(SEMA3E):c.1528G>C (p.Ala510Pro)

Gene: SEMA3E (semaphorin 3E; minus strand). Cytogenetic location: 7q21.11.
Variant type: single nucleotide variant.
Coding change: c.1528G>C on transcript NM_012431.3 (MANE Select); coding-DNA position 1528, G replaced by C.
Protein change: p.Ala510Pro; replaces alanine 510 with proline.
Molecular consequence: missense variant.
Genome position (GRCh38, 1-based): chr7:83,392,694, C>G on the plus strand (G>C on the coding strand, the complement: SEMA3E is on the minus strand). VCF-style: chr7-83392694-C-G. GRCh37 (hg19) VCF-style: chr7-83022010-C-G.
Other names: c.1348G>C, p.Ala450Pro (NM_001178129.2); short protein forms A450P, A510P.
Identifiers: ClinVar variation 3659929 (VCV003659929.2).
Genomic context (GRCh38, chr7:83,392,694, plus strand): 5'-AGCAGTCAGCACAAGCACTTCCATACATGTCACAGTGATGGAATCTGACTTGAGCCACAG[C>G]AGAAGCAGATCCAATATACAGCTGTTGCTACAGAAATCAGAAAGAGGTCACTAGCAGAAA-3'
Protein context (NP_036563.1, residues 500-520): RQQLYIGSAS[Ala510Pro]VAQVRFHHCD

ClinVar aggregate classification (germline): Uncertain significance (1 of 4 stars; one submission).

Conditions:
CHARGE syndrome (CHARGE). Also called: Hittner Hirsch Kreh syndrome; CHARGE ASSOCIATION--COLOBOMA, HEART ANOMALY, CHOANAL ATRESIA, RETARDATION, GENITAL AND EAR ANOMALIES; Coloboma, heart anomaly, choanal atresia, retardation, genital and ear anomalies; CHARGE association; Hall-Hittner syndrome. Identifiers: Orphanet 138, MedGen C0265354, MONDO:0008965.

Submission:

Labcorp Genetics (formerly Invitae), Labcorp
Classification: Uncertain significance for CHARGE syndrome. Last evaluated: 2024-07-19. Review status: criteria provided, single submitter. Criteria: Invitae Variant Classification Sherloc (09022015). Collection method: clinical testing. Allele origin: germline.
Comment: This sequence change replaces alanine, which is neutral and non-polar, with proline, which is neutral and non-polar, at codon 510 of the SEMA3E protein (p.Ala510Pro). This variant is not present in population databases (gnomAD no frequency). This variant has not been reported in the literature in individuals affected with SEMA3E-related conditions. Advanced modeling of protein sequence and biophysical properties (such as structural, functional, and spatial information, amino acid conservation, physicochemical variation, residue mobility, and thermodynamic stability) has been performed at Invitae for this missense variant, however the output from this modeling did not meet the statistical confidence thresholds required to predict the impact of this variant on SEMA3E protein function. In summary, the available evidence is currently insufficient to determine the role of this variant in disease. Therefore, it has been classified as a Variant of Uncertain Significance.